The following is an entry in ClinVar:

ClinVar aggregate classification (germline): Uncertain significance (1 of 4 stars; one submission).

Conditions:
Cardiovascular phenotype. Identifiers: MedGen CN230736.

Submission:

Ambry Genetics
Classification: Uncertain significance for Cardiovascular phenotype. Last evaluated: 2025-08-28. Review status: criteria provided, single submitter. Criteria: Ambry Variant Classification Scheme 2023. Collection method: clinical testing. Allele origin: germline.
Comment: The p.A171T variant (also known as c.511G>A), located in coding exon 4 of the SCN2B gene, results from a G to A substitution at nucleotide position 511. The alanine at codon 171 is replaced by threonine, an amino acid with similar properties. This amino acid position is conserved. In addition, this alteration is predicted to be deleterious by in silico analysis. Based on the available evidence, the clinical significance of this variant remains unclear.

NM_004588.5(SCN2B):c.511G>A (p.Ala171Thr)

Gene: SCN2B (sodium voltage-gated channel beta subunit 2; minus strand). Cytogenetic location: 11q23.3.
Variant type: single nucleotide variant.
Coding change: c.511G>A on transcript NM_004588.5 (MANE Select); coding-DNA position 511, G replaced by A.
Protein change: p.Ala171Thr; replaces alanine 171 with threonine.
Molecular consequence: missense variant.
Genome position (GRCh38, 1-based): chr11:118,167,024, C>T on the plus strand (G>A on the coding strand, the complement: SCN2B is on the minus strand). VCF-style: chr11-118167024-C-T. GRCh37 (hg19) VCF-style: chr11-118037739-C-T.
Other names: short protein forms A171T.
Identifiers: ClinVar variation 4160605 (VCV004160605.1).